The following is an entry in ClinVar:

NM_002941.4(ROBO1):c.687C>G (p.Tyr229Ter)

Gene: ROBO1 (roundabout guidance receptor 1; minus strand). Cytogenetic location: 3p12.3.
Variant type: single nucleotide variant.
Coding change: c.687C>G on transcript NM_002941.4 (MANE Select); coding-DNA position 687, C replaced by G.
Protein change: p.Tyr229Ter; replaces tyrosine 229 with a stop codon.
Molecular consequence: nonsense.
Genome position (GRCh38, 1-based): chr3:78,717,854, G>C on the plus strand (C>G on the coding strand, the complement: ROBO1 is on the minus strand). VCF-style: chr3-78717854-G-C. GRCh37 (hg19) VCF-style: chr3-78767004-G-C.
Other names: c.570C>G, p.Tyr190Ter (NM_001145845.2, NM_133631.4); short protein forms Y190*, Y229*.
Identifiers: ClinVar variation 1077089 (VCV001077089.2), dbSNP rs781328659, ClinGen allele CA353665318.

ClinVar aggregate classification (germline): Pathogenic. Review status: criteria provided, single submitter (1 of 4 stars). 2 submissions from 2 submitters: Pathogenic (1). 1 of the submissions does not count toward it. Last evaluated 2021-05-10.

Conditions:
Neurooculorenal syndrome (NORS). Identifiers: MedGen C5830377, MONDO:0957210, OMIM 620305.
Congenital anomaly of kidney and urinary tract. Also called: Congenital anomalies of kidney and urinary tract; Congenital anomalies of the kidney and urinary tract. Identifiers: Orphanet 93545, MedGen C1968949, MeSH C566906, MONDO:0019719.

Submissions (2):

Institute of Human Genetics, University of Leipzig Medical Center
Classification: Pathogenic for Congenital anomaly of kidney and urinary tract. Last evaluated: 2021-05-10. Review status: criteria provided, single submitter. Criteria: ACMG Guidelines, 2015. Collection method: clinical testing. Allele origin: germline. Inheritance: Autosomal recessive inheritance. Affected: yes.
Comment: PVS1_VeryStrong, PM2_Supporting, PM3_Moderate

OMIM
Classification: Pathogenic for NEUROOCULORENAL SYNDROME. Last evaluated: 2023-04-05. Review status: no assertion criteria provided. Collection method: literature only. Allele origin: germline. Not counted in ClinVar's aggregate classification.

Literature cited by the submitters: PubMed 35227688 (cited by OMIM).